The following is an entry in ClinVar:

NM_000041.4(APOE):c.193G>T (p.Val65Leu)

Gene: APOE (apolipoprotein E; plus strand). Cytogenetic location: 19q13.32.
Variant type: single nucleotide variant.
Coding change: c.193G>T on transcript NM_000041.4 (MANE Select); coding-DNA position 193, G replaced by T.
Protein change: p.Val65Leu; replaces valine 65 with leucine.
Molecular consequence: missense variant.
Genome position (GRCh38, 1-based): chr19:44,907,909, G>T. VCF-style: chr19-44907909-G-T. GRCh37 (hg19) VCF-style: chr19-45411166-G-T.
Other names: c.271G>T, p.Val91Leu (NM_001302688.2); c.193G>T, p.Val65Leu (NM_001302689.2, NM_001302690.2, NM_001302691.2); short protein forms V65L, V91L.
Identifiers: ClinVar variation 2451018 (VCV002451018.2), dbSNP rs2513539761, ClinGen allele CA406303502.

ClinVar aggregate classification (germline): Uncertain significance (1 of 4 stars; one submission).

Conditions:
Cardiovascular phenotype. Identifiers: MedGen CN230736.

Allele frequency attached by ClinVar (database versions not stated): gnomAD exomes below 0.00001.

Submission:

Ambry Genetics
Classification: Uncertain significance for Cardiovascular phenotype. Last evaluated: 2022-12-23. Review status: criteria provided, single submitter. Criteria: Ambry Variant Classification Scheme 2023. Collection method: clinical testing. Allele origin: germline.
Comment: The p.V65L variant (also known as c.193G>T), located in coding exon 2 of the APOE gene, results from a G to T substitution at nucleotide position 193. The valine at codon 65 is replaced by leucine, an amino acid with highly similar properties. This amino acid position is conserved. In addition, the in silico prediction for this alteration is inconclusive. Since supporting evidence is limited at this time, the clinical significance of this alteration remains unclear.